The following is an entry in ClinVar:

ClinVar aggregate classification (germline): Uncertain significance. Review status: criteria provided, multiple submitters, no conflicts (2 of 4 stars). 3 submissions from 3 submitters: Uncertain significance (3). Last evaluated 2023-07-31.

Conditions:
Cardiovascular phenotype. Identifiers: MedGen CN230736.
Alstrom syndrome (ALMS). Identifiers: Orphanet 64, MedGen C0268425, MONDO:0008763, OMIM 203800.

Allele frequency attached by ClinVar (database versions not stated): ExAC 0.00002; gnomAD 0.00002; TOPMed 0.00002; gnomAD exomes 0.00017.
gnomAD v4.1: 249 of 1,614,070 alleles (0.015%); highest among the groups gnomAD compares: Non-Finnish European, 0.021%; no homozygotes.

Submissions (3):

Ambry Genetics
Classification: Uncertain significance for Cardiovascular phenotype. Last evaluated: 2023-07-31. Review status: criteria provided, single submitter. Criteria: Ambry Variant Classification Scheme 2023. Collection method: clinical testing. Allele origin: germline.
Comment: The p.F3989S variant (also known as c.11966T>C), located in coding exon 19 of the ALMS1 gene, results from a T to C substitution at nucleotide position 11966. The phenylalanine at codon 3989 is replaced by serine, an amino acid with highly dissimilar properties. This amino acid position is highly conserved in available vertebrate species. In addition, this alteration is predicted to be deleterious by in silico analysis. Since supporting evidence is limited at this time, the clinical significance of this alteration remains unclear.

Labcorp Genetics (formerly Invitae), Labcorp
Classification: Uncertain significance for Alstrom syndrome. Last evaluated: 2022-09-13. Review status: criteria provided, single submitter. Criteria: Invitae Variant Classification Sherloc (09022015). Collection method: clinical testing. Allele origin: germline.
Comment: This sequence change replaces phenylalanine, which is neutral and non-polar, with serine, which is neutral and polar, at codon 3989 of the ALMS1 protein (p.Phe3989Ser). This variant is present in population databases (rs765651382, gnomAD 0.007%). This variant has not been reported in the literature in individuals affected with ALMS1-related conditions. Experimental studies and prediction algorithms are not available or were not evaluated, and the functional significance of this variant is currently unknown. In summary, the available evidence is currently insufficient to determine the role of this variant in disease. Therefore, it has been classified as a Variant of Uncertain Significance.

Blueprint Genetics
Classification: Uncertain significance. Last evaluated: 2020-12-28. Review status: criteria provided, single submitter. Criteria: ACMG Guidelines, 2015. Collection method: clinical testing. Allele origin: germline.

NM_001378454.1(ALMS1):c.11963T>C (p.Phe3988Ser)

Genes: ALMS1 (ALMS1 centrosome and basal body associated protein; plus strand), LOC126806252 (BRD4-independent group 4 enhancer GRCh37_chr2:73828496-73829695; plus strand). Cytogenetic location: 2p13.1.
Variant type: single nucleotide variant.
Coding change: c.11963T>C on transcript NM_001378454.1 (MANE Select); coding-DNA position 11963, T replaced by C.
Protein change: p.Phe3988Ser; replaces phenylalanine 3988 with serine.
Molecular consequence: missense variant.
Genome position (GRCh38, 1-based): chr2:73,601,285, T>C. VCF-style: chr2-73601285-T-C. GRCh37 (hg19) VCF-style: chr2-73828412-T-C.
Other names: c.11966T>C, p.Phe3989Ser (NM_015120.4); short protein forms F3988S, F3989S.
Identifiers: ClinVar variation 1745975 (VCV001745975.6), dbSNP rs765651382, ClinGen allele CA1715393.